The following is an entry in ClinVar:

ClinVar aggregate classification (germline): Pathogenic. Review status: criteria provided, multiple submitters, no conflicts (2 of 4 stars). 2 submissions from 2 submitters: Pathogenic (2). Last evaluated 2021-03-29.

Conditions:
Mismatch repair cancer syndrome 3. Identifiers: MedGen C5436807, MONDO:0030841, OMIM 619097.
Hereditary cancer-predisposing syndrome. Also called: Neoplastic Syndromes, Hereditary; Tumor predisposition; Hereditary Cancer Syndrome; Hereditary neoplastic syndrome. Identifiers: Orphanet 140162, MedGen C0027672, MeSH D009386, MONDO:0015356.

Submissions (2):

Department of Pathology and Laboratory Medicine, Sinai Health System
Classification: Pathogenic for Mismatch repair cancer syndrome 3. Last evaluated: 2021-03-29. Review status: criteria provided, single submitter. Criteria: ACMG Guidelines, 2015. Collection method: clinical testing. Allele origin: germline. Affected: yes.

Ambry Genetics
Classification: Pathogenic for Hereditary cancer-predisposing syndrome. Last evaluated: 2019-05-16. Review status: criteria provided, single submitter. Criteria: Ambry Variant Classification Scheme 2023. Collection method: clinical testing. Allele origin: germline.
Comment: The c.255dupC pathogenic mutation, located in coding exon 1 of the MSH6 gene, results from a duplication of C at nucleotide position 255, causing a translational frameshift with a predicted alternate stop codon (p.T86Hfs*4). This alteration is expected to result in loss of function by premature protein truncation or nonsense-mediated mRNA decay. As such, this alteration is interpreted as a disease-causing mutation.

NM_000179.3(MSH6):c.255dup (p.Thr86fs)

Genes: MSH6 (mutS homolog 6; plus strand), LOC129933707 (ATAC-STARR-seq lymphoblastoid silent region 11468; plus strand). Cytogenetic location: 2p16.3.
Variant type: Duplication.
Coding change: c.255dup on transcript NM_000179.3 (MANE Select); coding-DNA position 255, one base duplicated (C; older notation c.255dupC).
Protein change: p.Thr86fs; shifts the reading frame from threonine 86.
Molecular consequence: frameshift variant. On other transcripts: 5 prime UTR variant (1), intron variant (1).
Genome position (GRCh38, 1-based): chr2:47,783,488, C duplicated; the last of 5 consecutive C bases (chr2:47,783,484-47,783,488); duplicating any one gives the same sequence. VCF-style (leftmost placement, unchanged base first): chr2-47783483-G-GC. GRCh37 (hg19) VCF-style: chr2-48010622-G-GC.
Other names: c.-482dup (NM_001281493.2); c.237+18dup (NM_001281492.2); c.255dupC (NM_000179.2); c.255dup (NM_000179.2); short protein forms T86fs.
Identifiers: ClinVar variation 821475 (VCV000821475.5), dbSNP rs1064793183, ClinGen allele CA915943790.
Genomic context (GRCh38, chr2:47,783,483, plus strand): 5'-GCGTCACCGCCCAAGGCGAAGAACCTCAACGGAGGGCTGCGGAGATCGGTAGCGCCTGCT[G>GC]CCCCCACCAGGTAGCGGGGTGGGGGTGGGGTCGAAGGCGGGGGCATAGCGGCGGGGCGCT-3'